The following is an entry in ClinVar:

ClinVar aggregate classification (germline): Uncertain significance. Review status: criteria provided, multiple submitters, no conflicts (2 of 4 stars). 2 submissions from 2 submitters: Uncertain significance (2). Last evaluated 2026-07-31.

Conditions:
Inborn genetic diseases. Identifiers: MedGen C0950123, MeSH D030342.

gnomAD v4.1: 9 of 1,613,978 alleles (0.00056%); highest among the groups gnomAD compares: Non-Finnish European, 0.00051%; no homozygotes.

Submissions (2):

Ambry Genetics
Classification: Uncertain significance for Inborn genetic diseases. Last evaluated: 2026-07-31. Review status: criteria provided, single submitter. Criteria: Ambry Variant Classification Scheme 2023. Collection method: clinical testing. Allele origin: germline.
Comment: The p.G532D variant (also known as c.1595G>A), located in coding exon 7 of the MBD4 gene, results from a G to A substitution at nucleotide position 1595. The glycine at codon 532 is replaced by aspartic acid, an amino acid with similar properties. This amino acid position is conserved. In addition, this alteration is predicted to be deleterious by in silico analysis. Based on the available evidence, the clinical significance of this variant remains unclear.

Labcorp Genetics (formerly Invitae), Labcorp
Classification: Uncertain significance. Last evaluated: 2024-03-16. Review status: criteria provided, single submitter. Criteria: Invitae Variant Classification Sherloc (09022015). Collection method: clinical testing. Allele origin: germline.
Comment: This sequence change replaces glycine, which is neutral and non-polar, with aspartic acid, which is acidic and polar, at codon 538 of the MBD4 protein (p.Gly538Asp). This variant is present in population databases (rs202021161, gnomAD 0.003%). This variant has not been reported in the literature in individuals affected with MBD4-related conditions. An algorithm developed to predict the effect of missense changes on protein structure and function (PolyPhen-2) suggests that this variant is likely to be disruptive. In summary, the available evidence is currently insufficient to determine the role of this variant in disease. Therefore, it has been classified as a Variant of Uncertain Significance.

NM_001276270.2(MBD4):c.1595G>A (p.Gly532Asp)

Gene: MBD4 (methyl-CpG binding domain 4, DNA glycosylase; minus strand). Cytogenetic location: 3q21.3.
Variant type: single nucleotide variant.
Coding change: c.1595G>A on transcript NM_001276270.2 (MANE Select); coding-DNA position 1595, G replaced by A.
Protein change: p.Gly532Asp; replaces glycine 532 with aspartic acid.
Molecular consequence: missense variant. On other transcripts: splice donor variant (1).
Genome position (GRCh38, 1-based): chr3:129,432,555, C>T on the plus strand (G>A on the coding strand, the complement: MBD4 is on the minus strand). VCF-style: chr3-129432555-C-T. GRCh37 (hg19) VCF-style: chr3-129151398-C-T.
Other names: c.1613G>A, p.Gly538Asp (NM_001276271.2, NM_003925.3); c.659G>A, p.Gly220Asp (NM_001276273.2); c.1612+1G>A (NM_001276272.2); short protein forms G532D, G538D, G220D.
Identifiers: ClinVar variation 3678369 (VCV003678369.3).
Genomic context (GRCh38, chr3:129,432,555, plus strand): 5'-AGCCTCACCTGCTTCCACTCATTGACACAAAAAATTCGGTAAGAGTCGTTGCCATATTTA[C>T]CAATCCCATGAAGCTCAATTGGATACTTCCACTGCTTTGTCAGGTATTCATCTGAAGAAT-3'
Protein context (NP_001263199.1, residues 522-542): WKYPIELHGI[Gly532Asp]KYGNDSYRIF